The following is an entry in ClinVar:

ClinVar aggregate classification (germline): Uncertain significance (1 of 4 stars; one submission).

Conditions:
Noonan syndrome 9 (NS9). Identifiers: Orphanet 648, MedGen C4225282, MONDO:0014691, OMIM 616559.

Allele frequency attached by ClinVar (database versions not stated): gnomAD 0.00001; 1000 Genomes Project 30x 0.00016; 1000 Genomes Project 0.00020.
gnomAD v4.1: 1 of 1,609,462 alleles (0.000062%); highest among the groups gnomAD compares: Admixed American, 0.0017%; no homozygotes.

Submission:

Labcorp Genetics (formerly Invitae), Labcorp
Classification: Uncertain significance for Noonan syndrome 9. Last evaluated: 2021-07-08. Review status: criteria provided, single submitter. Criteria: Invitae Variant Classification Sherloc (09022015). Collection method: clinical testing. Allele origin: germline.
Comment: In summary, the available evidence is currently insufficient to determine the role of this variant in disease. Therefore, it has been classified as a Variant of Uncertain Significance. Algorithms developed to predict the effect of missense changes on protein structure and function (SIFT, PolyPhen-2, Align-GVGD) all suggest that this variant is likely to be tolerated. This variant has not been reported in the literature in individuals affected with SOS2-related conditions. This variant is not present in population databases (ExAC no frequency). This sequence change replaces lysine with glutamic acid at codon 1010 of the SOS2 protein (p.Lys1010Glu). The lysine residue is highly conserved and there is a small physicochemical difference between lysine and glutamic acid.

NM_006939.4(SOS2):c.3028A>G (p.Lys1010Glu)

Gene: SOS2 (SOS Ras/Rho guanine nucleotide exchange factor 2; minus strand). Cytogenetic location: 14q21.3.
Variant type: single nucleotide variant.
Coding change: c.3028A>G on transcript NM_006939.4 (MANE Select); coding-DNA position 3028, A replaced by G.
Protein change: p.Lys1010Glu; replaces lysine 1010 with glutamic acid.
Molecular consequence: missense variant.
Genome position (GRCh38, 1-based): chr14:50,134,170, T>C on the plus strand (A>G on the coding strand, the complement: SOS2 is on the minus strand). VCF-style: chr14-50134170-T-C. GRCh37 (hg19) VCF-style: chr14-50600888-T-C.
Other names: short protein forms K1010E.
Identifiers: ClinVar variation 1466878 (VCV001466878.8), dbSNP rs181284424, ClinGen allele CA260716274.
Genomic context (GRCh38, chr14:50,134,170, plus strand): 5'-ATAAAAGACTTACAAATCGAGGTGGCTGTTTGCAGTTTCGAGGTTCAATTTCTAGTGACT[T>C]GTTGAACAAATAATCTGTAAACTCTTTTTCAGATGCACTTCCCATGGGGTTAAGGTTTTC-3'
Protein context (NP_008870.2, residues 1000-1020): EKEFTDYLFN[Lys1010Glu]SLEIEPRNCK